The following is an entry in ClinVar:

ClinVar aggregate classification (germline): Likely benign. Review status: criteria provided, multiple submitters, no conflicts (2 of 4 stars). 2 submissions from 2 submitters: Likely benign (2). Last evaluated 2026-05-30.

Conditions:
TTC21B-related disorder. Also called: TTC21B-related condition; TTC21B-related disorders.
Jeune thoracic dystrophy. Also called: Jeune syndrome; Infantile thoracic dystrophy; Thoracic pelvic phalangeal dystrophy; Jeune's syndrome; Chondroectodermal dysplasia-like syndrome; Short-rib thoracic dysplasia. Identifiers: Orphanet 474, MedGen C0265275, MONDO:0018770.
Nephronophthisis. Also called: Juvenile Nephronophthisis. Identifiers: Orphanet 655, MedGen C0687120, MONDO:0019005, HP:0000090.

Allele frequency attached by ClinVar (database versions not stated): gnomAD exomes below 0.00001; gnomAD 0.00001; TOPMed 0.00001; ExAC 0.00002.
gnomAD v4.1: 3 of 1,612,922 alleles (0.00019%); highest among the groups gnomAD compares: Admixed American, 0.005%; no homozygotes.

Submissions (2):

PreventionGenetics, part of Exact Sciences
Classification: Likely benign for TTC21B-related condition. Last evaluated: 2026-05-30. Review status: criteria provided, single submitter. Criteria: ACMG Guidelines, 2015. Collection method: clinical testing. Allele origin: germline.
Comment: This variant is classified as likely benign based on ACMG/AMP sequence variant interpretation guidelines (Richards et al. 2015 PMID: 25741868, with internal and published modifications).

Labcorp Genetics (formerly Invitae), Labcorp
Classification: Likely benign for Jeune thoracic dystrophy; Nephronophthisis. Last evaluated: 2024-08-05. Review status: criteria provided, single submitter. Criteria: Invitae Variant Classification Sherloc (09022015). Collection method: clinical testing. Allele origin: germline.

NM_024753.5(TTC21B):c.2121A>G (p.Leu707=)

Gene: TTC21B (tetratricopeptide repeat domain 21B; minus strand). Cytogenetic location: 2q24.3.
Variant type: single nucleotide variant.
Coding change: c.2121A>G on transcript NM_024753.5 (MANE Select); coding-DNA position 2121, A replaced by G.
Protein change: p.Leu707=; no amino-acid change (leucine 707 retained).
Molecular consequence: synonymous variant.
Genome position (GRCh38, 1-based): chr2:165,915,218, T>C on the plus strand (A>G on the coding strand, the complement: TTC21B is on the minus strand). VCF-style: chr2-165915218-T-C. GRCh37 (hg19) VCF-style: chr2-166771728-T-C.
Other names: c.2121A>G (NM_024753.4).
Identifiers: ClinVar variation 1528132 (VCV001528132.9), dbSNP rs778283781, ClinGen allele CA1941938.